The following is an entry in ClinVar:

ClinVar aggregate classification (germline): Pathogenic (1 of 4 stars; one submission).

Conditions:
Inborn genetic diseases. Identifiers: MedGen C0950123, MeSH D030342.

Submission:

Ambry Genetics
Classification: Pathogenic for Inborn genetic diseases. Last evaluated: 2023-05-11. Review status: criteria provided, single submitter. Criteria: Ambry Variant Classification Scheme 2023. Collection method: clinical testing. Allele origin: germline.
Comment: The c.235delC (p.L79Sfs*20) alteration, located in exon 2 (coding exon 2) of the PKD1 gene, consists of a deletion of one nucleotide at position 235, causing a translational frameshift with a predicted alternate stop codon after 20 amino acids. This alteration is expected to result in loss of function by premature protein truncation or nonsense-mediated mRNA decay. This variant was not reported in population-based cohorts in the Genome Aggregation Database (gnomAD). Based on the available evidence, this alteration is classified as pathogenic.

NM_001009944.3(PKD1):c.235del (p.Leu79fs)

Gene: PKD1 (polycystin 1, transient receptor potential channel interacting; minus strand). Cytogenetic location: 16p13.3.
Variant type: Deletion.
Coding change: c.235del on transcript NM_001009944.3 (MANE Select); coding-DNA position 235, one base deleted (C; older notation c.235delC).
Protein change: p.Leu79fs; shifts the reading frame from leucine 79.
Molecular consequence: frameshift variant.
Genome position (GRCh38, 1-based): chr16:2,119,359, G deleted on the plus strand (C on the coding strand, the reverse complement: PKD1 is on the minus strand). VCF-style (leftmost placement, unchanged base first): chr16-2119358-AG-A. GRCh37 (hg19) VCF-style: chr16-2169359-AG-A.
Other names: c.235del, p.Leu79fs (NM_000296.4); short protein forms L79fs.
Identifiers: ClinVar variation 2540145 (VCV002540145.2), dbSNP rs2544886159, ClinGen allele CA2580613374.